The following is an entry in ClinVar:

ClinVar aggregate classification (germline): Uncertain significance (1 of 4 stars; one submission).

Submission:

Geisinger Autism and Developmental Medicine Institute, Geisinger Health System
Classification: Uncertain significance. Last evaluated: 2017-06-07. Review status: criteria provided, single submitter. Criteria: ACMG Guidelines, 2015. Collection method: provider interpretation, clinical testing. Allele origin: de novo. Observed: 1 variant allele.
Comment: At the time of the lab report, no known human disorders had been clearly associated with this gene. A homozygous missense variant in the TRERF1 gene has been reported in an individual with a neurodevelopmental disorder with features including intellectual disability, seizures, abnormality of the cerebral white matter, and hyperreflexia (Anazi et al., 2017). The c.3000delG variant is absent from population databases.

Literature cited by the submitters: PubMed 27431290.

NM_001395490.1(TRERF1):c.3000del (p.Pro1001fs)

Gene: TRERF1 (transcriptional regulating factor 1; minus strand). Cytogenetic location: 6p21.1.
Variant type: Deletion.
Coding change: c.3000del on transcript NM_001395490.1 (MANE Select); coding-DNA position 3000, one base deleted (G; older notation c.3000delG).
Protein change: p.Pro1001fs; shifts the reading frame from proline 1001.
Molecular consequence: frameshift variant.
Genome position (GRCh38, 1-based): chr6:42,236,271, C deleted on the plus strand (G on the coding strand, the reverse complement: TRERF1 is on the minus strand); the first of 4 consecutive C bases (chr6:42,236,271-42,236,274); deleting any one gives the same sequence. VCF-style (leftmost placement, unchanged base first): chr6-42236270-GC-G. GRCh37 (hg19) VCF-style: chr6-42204008-GC-G.
Other names: c.3060del, p.Pro1021fs (NM_001297573.2); c.3000del, p.Pro1001fs (NM_001391983.1, NM_033502.4); c.2751del, p.Pro918fs (NM_001391984.1); short protein forms P1001fs, P1021fs, P918fs.
Identifiers: ClinVar variation 560288 (VCV000560288.4), dbSNP rs1562112466, ClinGen allele CA658821263.
Genomic context (GRCh38, chr6:42,236,270, plus strand): 5'-CACAGTTGGGCATTTCACAGATGAAGGAGCCTGAGGGCTGGCCCAGGGCCTGCAGGGGCG[GC>G]CCCTCCGTGGGAGCCAGGACGGGGACGGGTGGTGGCTCCGGGGACTTCGGCACCTCACTC-3'